The following is an entry in ClinVar:

ClinVar aggregate classification (germline): Uncertain significance (1 of 4 stars; one submission).

Conditions:
CALM2-related disorder. Also called: CALM2-related condition.

Submission:

PreventionGenetics, part of Exact Sciences
Classification: Uncertain significance for CALM2-related condition. Last evaluated: 2023-02-11. Review status: criteria provided, single submitter. Criteria: ACMG Guidelines, 2015. Collection method: clinical testing. Allele origin: germline.
Comment: The CALM2 c.136G>A variant is predicted to result in the amino acid substitution p.Glu46Lys. This variant has been reported in a patient with catecholaminergic polymorphic ventricular tachycardia (Supplemental Tables 1-3 in Crotti et al. 2019. PubMed ID: 31170290). This variant has not been reported in a large population database, indicating this variant is rare. At this time, the clinical significance of this variant is uncertain due to the absence of conclusive functional and genetic evidence.

NM_001743.6(CALM2):c.136G>A (p.Glu46Lys)

Gene: CALM2 (calmodulin 2; minus strand). Cytogenetic location: 2p21.
Variant type: single nucleotide variant.
Coding change: c.136G>A on transcript NM_001743.6 (MANE Select); coding-DNA position 136, G replaced by A.
Protein change: p.Glu46Lys; replaces glutamic acid 46 with lysine.
Molecular consequence: missense variant.
Genome position (GRCh38, 1-based): chr2:47,162,561, C>T on the plus strand (G>A on the coding strand, the complement: CALM2 is on the minus strand). VCF-style: chr2-47162561-C-T. GRCh37 (hg19) VCF-style: chr2-47389700-C-T.
Other names: c.280G>A, p.Glu94Lys (NM_001305624.1); c.28G>A, p.Glu10Lys (NM_001305625.2, NM_001305626.1); short protein forms E10K, E46K, E94K.
Identifiers: ClinVar variation 2630545 (VCV002630545.1), dbSNP rs2465709282, ClinGen allele CA346719917.